The following is an entry in ClinVar:

NM_001365276.2(TNXB):c.12530G>A (p.Ser4177Asn)

Genes: TNXB (tenascin XB; minus strand), LOC106780803 (tenascin XB recombination region; plus strand). Cytogenetic location: 6p21.33.
Variant type: single nucleotide variant.
Coding change: c.12530G>A on transcript NM_001365276.2 (MANE Select); coding-DNA position 12530, G replaced by A.
Protein change: p.Ser4177Asn; replaces serine 4177 with asparagine.
Molecular consequence: missense variant.
Genome position (GRCh38, 1-based): chr6:32,041,874, C>T on the plus strand (G>A on the coding strand, the complement: TNXB is on the minus strand). VCF-style: chr6-32041874-C-T. GRCh37 (hg19) VCF-style: chr6-32009651-C-T.
Other names: p.Ser4175Asn; c.12524G>A, p.Ser4175Asn (NM_019105.8); c.1817G>A, p.Ser606Asn (NM_032470.4); short protein forms S4175N, S606N, S4177N.
Identifiers: ClinVar variation 190377 (VCV000190377.3), dbSNP rs199953230, ClinGen allele CA204002.
Genomic context (GRCh38, chr6:32,041,874, plus strand): 5'-TAGTGGCAGTTCCTGTACCACCAGGCCCCTCGGTAGGAGACAGCGCAGGAGATGAGCAAG[C>T]TGTTGGGGTCCCGATCACGGGCAGAGAAGACACTGCCGCTGTGGTAGCTCATGGAGTCCC-3'
Protein context (NP_001352205.1, residues 4167-4187): VFSARDRDPN[Ser4177Asn]LLISCAVSYR

ClinVar aggregate classification (germline): Conflicting classifications of pathogenicity. Review status: criteria provided, conflicting classifications (1 of 4 stars). 3 submissions from 3 submitters: Uncertain significance (2); Benign (1). Last evaluated 2025-10-21.

Conditions:
Ehlers-Danlos syndrome due to tenascin-X deficiency (EDSCLL1). Also called: EHLERS-DANLOS SYNDROME, CLASSIC-LIKE; Ehlers-Danlos syndrome, classic-like, 1; TNXB-Related Classical-Like Ehlers-Danlos Syndrome; EDS DUE TO TNX DEFICIENCY; TNX DEFICIENCY. Identifiers: Orphanet 230839, MedGen C1848029, MONDO:0011670, OMIM 606408.

Allele frequency attached by ClinVar (database versions not stated): gnomAD exomes 0.06308; ExAC 0.23689.

Submissions (3):

Mayo Clinic Laboratories, Mayo Clinic
Classification: Uncertain significance. Last evaluated: 2025-10-21. Review status: criteria provided, single submitter. Criteria: ACMG Guidelines, 2015. Collection method: clinical testing. Allele origin: germline. Observed: 8 variant alleles.
Comment: BP4_strong

Genomic Diagnostic Laboratory, Division of Genomic Diagnostics, Children's Hospital of Philadelphia
Classification: Benign. Last evaluated: 2015-06-25. Review status: criteria provided, single submitter. Criteria: DGD Variant Analysis Guidelines. Collection method: clinical testing. Allele origin: unknown.

Pediatric Services, National Institutes of Health, Clinical Center
Classification: Uncertain significance for Ehlers-Danlos syndrome due to tenascin-X deficiency. Last evaluated: 2015-01-01. Review status: criteria provided, single submitter. Criteria: ACMG Guidelines, 2015. Collection method: research. Allele origin: germline. Affected: yes.

Literature cited by the submitters: PubMed 26075496 (cited by Mayo Clinic Laboratories, Mayo Clinic and Pediatric Services, National Institutes of Health, Clinical Center); PubMed 27297501 (cited by Mayo Clinic Laboratories, Mayo Clinic); PubMed 29734195 (cited by Mayo Clinic Laboratories, Mayo Clinic); PubMed 31775249 (cited by Mayo Clinic Laboratories, Mayo Clinic).